The following is an entry in ClinVar:

ClinVar aggregate classification (germline): Uncertain significance (1 of 4 stars; one submission).

Allele frequency attached by ClinVar (database versions not stated): gnomAD exomes below 0.00001; TOPMed below 0.00001; ExAC 0.00001.
gnomAD v4.1: 3 of 1,581,112 alleles (0.00019%); highest among the groups gnomAD compares: Admixed American, 0.0037%; no homozygotes.

Submission:

Labcorp Genetics (formerly Invitae), Labcorp
Classification: Uncertain significance. Last evaluated: 2021-05-11. Review status: criteria provided, single submitter. Criteria: Invitae Variant Classification Sherloc (09022015). Collection method: clinical testing. Allele origin: germline.
Comment: This sequence change replaces proline with serine at codon 203 of the GUF1 protein (p.Pro203Ser). The proline residue is moderately conserved and there is a moderate physicochemical difference between proline and serine. In summary, the available evidence is currently insufficient to determine the role of this variant in disease. Therefore, it has been classified as a Variant of Uncertain Significance. Algorithms developed to predict the effect of missense changes on protein structure and function are either unavailable or do not agree on the potential impact of this missense change (SIFT: "Tolerated"; PolyPhen-2: "Probably Damaging"; Align-GVGD: "Class C0"). This variant has not been reported in the literature in individuals with GUF1-related conditions. This variant is present in population databases (rs755770447, ExAC 0.009%).

NM_021927.3(GUF1):c.607C>T (p.Pro203Ser)

Gene: GUF1 (GTP binding elongation factor GUF1; plus strand). Cytogenetic location: 4p12.
Variant type: single nucleotide variant.
Coding change: c.607C>T on transcript NM_021927.3 (MANE Select); coding-DNA position 607, C replaced by T.
Protein change: p.Pro203Ser; replaces proline 203 with serine.
Molecular consequence: missense variant. On other transcripts: 5 prime UTR variant (2).
Genome position (GRCh38, 1-based): chr4:44,683,256, C>T. VCF-style: chr4-44683256-C-T. GRCh37 (hg19) VCF-style: chr4-44685273-C-T.
Other names: c.-366C>T (NM_001345867.2, NM_001345869.2); c.607C>T, p.Pro203Ser (NM_001345868.2); short protein forms P203S.
Identifiers: ClinVar variation 1354883 (VCV001354883.8), dbSNP rs755770447, ClinGen allele CA2905372.